The following is an entry in ClinVar:

ClinVar aggregate classification (germline): Uncertain significance (1 of 4 stars; one submission).

Allele frequency attached by ClinVar (database versions not stated): TOPMed below 0.00001; gnomAD 0.00001; gnomAD exomes 0.00001.
gnomAD v4.1: 11 of 1,613,866 alleles (0.00068%); highest among the groups gnomAD compares: Non-Finnish European, 0.00085%; no homozygotes.

Submission:

Labcorp Genetics (formerly Invitae), Labcorp
Classification: Uncertain significance. Last evaluated: 2020-07-28. Review status: criteria provided, single submitter. Criteria: Invitae Variant Classification Sherloc (09022015). Collection method: clinical testing. Allele origin: germline.
Comment: This sequence change replaces proline with arginine at codon 69 of the SPART protein (p.Pro69Arg). The proline residue is highly conserved and there is a moderate physicochemical difference between proline and arginine. This variant is not present in population databases (ExAC no frequency). This variant has not been reported in the literature in individuals with SPART-related conditions. Algorithms developed to predict the effect of missense changes on protein structure and function are either unavailable or do not agree on the potential impact of this missense change (SIFT: "Deleterious"; PolyPhen-2: "Benign"; Align-GVGD: "Class C0"). Algorithms developed to predict the effect of sequence changes on RNA splicing suggest that this variant may create or strengthen a splice site, but this prediction has not been confirmed by published transcriptional studies. In summary, the available evidence is currently insufficient to determine the role of this variant in disease. Therefore, it has been classified as a Variant of Uncertain Significance.

NM_015087.5(SPART):c.206C>G (p.Pro69Arg)

Gene: SPART (spartin; minus strand). Cytogenetic location: 13q13.3.
Variant type: single nucleotide variant.
Coding change: c.206C>G on transcript NM_015087.5 (MANE Select); coding-DNA position 206, C replaced by G.
Protein change: p.Pro69Arg; replaces proline 69 with arginine.
Molecular consequence: missense variant.
Genome position (GRCh38, 1-based): chr13:36,335,625, G>C on the plus strand (C>G on the coding strand, the complement: SPART is on the minus strand). VCF-style: chr13-36335625-G-C. GRCh37 (hg19) VCF-style: chr13-36909762-G-C.
Other names: c.206C>G, p.Pro69Arg (NM_001142294.2, NM_001142295.2, NM_001142296.2); short protein forms P69R.
Identifiers: ClinVar variation 1011972 (VCV001011972.8), dbSNP rs1204290105, ClinGen allele CA387864629.